The following is an entry in ClinVar:

NM_024079.5(ALG8):c.803G>A (p.Arg268Gln)

Gene: ALG8 (ALG8 alpha-1,3-glucosyltransferase; minus strand). Cytogenetic location: 11q14.1.
Variant type: single nucleotide variant.
Coding change: c.803G>A on transcript NM_024079.5 (MANE Select); coding-DNA position 803, G replaced by A.
Protein change: p.Arg268Gln; replaces arginine 268 with glutamine.
Molecular consequence: missense variant.
Genome position (GRCh38, 1-based): chr11:78,112,745, C>T on the plus strand (G>A on the coding strand, the complement: ALG8 is on the minus strand). VCF-style: chr11-78112745-C-T. GRCh37 (hg19) VCF-style: chr11-77823791-C-T.
Other names: c.803G>A, p.Arg268Gln (NM_001007027.3); short protein forms R268Q.
Identifiers: ClinVar variation 96093 (VCV000096093.44), dbSNP rs61995925, ClinGen allele CA248685.

ClinVar aggregate classification (germline): Benign/Likely benign. Review status: criteria provided, multiple submitters, no conflicts (2 of 4 stars). 10 submissions from 10 submitters: Benign (5); Likely benign (3). 2 of the submissions do not count toward it. Last evaluated 2026-07-01.

Conditions:
ALG8 congenital disorder of glycosylation. Also called: CONGENITAL DISORDER OF GLYCOSYLATION, TYPE Ih; CDG Ih; ALG8-CDG. Identifiers: Orphanet 79325, MedGen C2931002, MONDO:0011969, OMIM 608104.

Allele frequency attached by ClinVar (database versions not stated): 1000 Genomes Project 30x 0.00390; gnomAD 0.01476 and 0.01432; ESP Exome Variant Server 0.01640; 1000 Genomes Project 0.00359; TOPMed 0.01307.
gnomAD v4.1: 30,561 of 1,613,666 alleles (1.9%); highest among the groups gnomAD compares: Non-Finnish European, 2.2%; 330 homozygotes.

Submissions (10):

CeGaT Center for Human Genetics Tuebingen
Classification: Benign. Last evaluated: 2026-07-01. Review status: criteria provided, single submitter. Criteria: CeGaT Center For Human Genetics Tuebingen Variant Classification Criteria Version 2. Collection method: clinical testing. Allele origin: germline. Affected: yes. Observed: 14 variant alleles.
Comment: ALG8: BS1, BS2

Labcorp Genetics (formerly Invitae), Labcorp
Classification: Benign for ALG8 congenital disorder of glycosylation. Last evaluated: 2026-01-16. Review status: criteria provided, single submitter. Criteria: Invitae Variant Classification Sherloc (09022015). Collection method: clinical testing. Allele origin: germline.

Mayo Clinic Laboratories, Mayo Clinic
Classification: Benign. Last evaluated: 2022-10-20. Review status: criteria provided, single submitter. Criteria: ACMG Guidelines, 2015. Collection method: clinical testing. Allele origin: germline. Observed: 18 variant alleles.
Comment: BS1, BS2

GeneDx
Classification: Benign. Last evaluated: 2020-01-30. Review status: criteria provided, single submitter. Criteria: GeneDx Variant Classification Process June 2021. Collection method: clinical testing. Allele origin: germline. Affected: yes.
Comment: This variant is associated with the following publications: (PMID: 28820871, 30061496)

Illumina Laboratory Services, Illumina
Classification: Likely benign for ALG8 congenital disorder of glycosylation. Last evaluated: 2018-01-13. Review status: criteria provided, single submitter. Criteria: ICSL Variant Classification Criteria 13 December 2019. Collection method: clinical testing. Allele origin: germline.
Comment: This variant was observed in the ICSL laboratory as part of a predisposition screen in an ostensibly healthy population. It had not been previously curated by ICSL or reported in the Human Gene Mutation Database (HGMD: prior to June 1st, 2018), and was therefore a candidate for classification through an automated scoring system. Utilizing variant allele frequency, disease prevalence and penetrance estimates, and inheritance mode, an automated score was calculated to assess if this variant is too frequent to cause the disease. Based on the score and internal cut-off values, a variant classified as likely benign is not then subjected to further curation. The score for this variant resulted in a classification of likely benign for this disease.

Genomic Diagnostic Laboratory, Division of Genomic Diagnostics, Children's Hospital of Philadelphia
Classification: Likely benign. Last evaluated: 2015-04-14. Review status: criteria provided, single submitter. Criteria: DGD Variant Analysis Guidelines. Collection method: clinical testing. Allele origin: unknown.

Eurofins Ntd Llc (ga)
Classification: Benign. Last evaluated: 2012-12-21. Review status: criteria provided, single submitter. Criteria: EGL Classification Definitions 2015. Collection method: clinical testing. Allele origin: germline. Observed: 3 variant alleles, 2 heterozygotes, 1 homozygote.

Breakthrough Genomics
Classification: Likely benign. Review status: criteria provided, single submitter. Criteria: ACMG Guidelines, 2015. Collection method: not provided. Allele origin: germline. Inheritance: Autosomal recessive inheritance. Affected: yes.

Clinical Genetics, Academic Medical Center
Classification: Benign. Review status: no assertion criteria provided. Collection method: clinical testing. Allele origin: germline. Affected: yes. Study: VKGL Data-share Consensus. Not counted in ClinVar's aggregate classification.

Diagnostic Laboratory, Department of Genetics, University Medical Center Groningen
Classification: Benign. Review status: no assertion criteria provided. Collection method: clinical testing. Allele origin: germline. Affected: yes. Study: VKGL Data-share Consensus. Not counted in ClinVar's aggregate classification.

Literature cited by the submitters: PubMed 28820871 (cited by Mayo Clinic Laboratories, Mayo Clinic).